The following is an entry in ClinVar:

ClinVar aggregate classification (germline): Uncertain significance (1 of 4 stars; one submission).

Submission:

Labcorp Genetics (formerly Invitae), Labcorp
Classification: Uncertain significance. Last evaluated: 2024-05-27. Review status: criteria provided, single submitter. Criteria: Invitae Variant Classification Sherloc (09022015). Collection method: clinical testing. Allele origin: germline.
Comment: This sequence change replaces serine, which is neutral and polar, with tyrosine, which is neutral and polar, at codon 483 of the NAF1 protein (p.Ser483Tyr). This variant is not present in population databases (gnomAD no frequency). This variant has not been reported in the literature in individuals affected with NAF1-related conditions. An algorithm developed to predict the effect of missense changes on protein structure and function (PolyPhen-2) suggests that this variant is likely to be disruptive. In summary, the available evidence is currently insufficient to determine the role of this variant in disease. Therefore, it has been classified as a Variant of Uncertain Significance.

NM_138386.3(NAF1):c.1448C>A (p.Ser483Tyr)

Gene: NAF1 (nuclear assembly factor 1 ribonucleoprotein; minus strand). Cytogenetic location: 4q32.2.
Variant type: single nucleotide variant.
Coding change: c.1448C>A on transcript NM_138386.3 (MANE Select); coding-DNA position 1448, C replaced by A.
Protein change: p.Ser483Tyr; replaces serine 483 with tyrosine.
Molecular consequence: missense variant. On other transcripts: intron variant (1).
Genome position (GRCh38, 1-based): chr4:163,128,934, G>T on the plus strand (C>A on the coding strand, the complement: NAF1 is on the minus strand). VCF-style: chr4-163128934-G-T. GRCh37 (hg19) VCF-style: chr4-164050086-G-T.
Other names: c.1034-1819C>A (NM_001128931.2); short protein forms S483Y.
Identifiers: ClinVar variation 3686114 (VCV003686114.2).